The following is an entry in ClinVar:

ClinVar aggregate classification (germline): Likely pathogenic (1 of 4 stars; one submission).

Conditions:
Autosomal recessive limb-girdle muscular dystrophy type 2J (LGMDR10). Also called: Limb-girdle muscular dystrophy, type 2J; MUSCULAR DYSTROPHY, LIMB-GIRDLE, AUTOSOMAL RECESSIVE 10. Identifiers: Orphanet 140922, MedGen C1837342, MONDO:0012127, OMIM 608807.
Dilated cardiomyopathy 1G (CMD1G). Identifiers: Orphanet 154, MedGen C1858763, MONDO:0011400, OMIM 604145.

Submission:

Labcorp Genetics (formerly Invitae), Labcorp
Classification: Likely pathogenic for Dilated cardiomyopathy 1G; Autosomal recessive limb-girdle muscular dystrophy type 2J. Last evaluated: 2024-02-13. Review status: criteria provided, single submitter. Criteria: Invitae Variant Classification Sherloc (09022015). Collection method: clinical testing. Allele origin: germline.
Comment: This sequence change creates a premature translational stop signal (p.Tyr20934Serfs*7) in the TTN gene. While this is not anticipated to result in nonsense mediated decay, it is expected to create a truncated TTN protein. This variant is not present in population databases (gnomAD no frequency). This variant has not been reported in the literature in individuals affected with TTN-related conditions. This variant is located in the A band of TTN (PMID: 25589632). Truncating variants in this region are significantly overrepresented in patients affected with dilated cardiomyopathy (PMID: 25589632). Truncating variants in this region have also been reported in individuals affected with autosomal recessive centronuclear myopathy (PMID: 23975875). In summary, the currently available evidence indicates that the variant is pathogenic, but additional data are needed to prove that conclusively. Therefore, this variant has been classified as Likely Pathogenic.

Literature cited by the submitters: PubMed 25589632; PubMed 23975875.

NM_001267550.2(TTN):c.62799_62811del (p.Tyr20934fs)

Genes: TTN (titin; minus strand), TTN-AS1 (TTN antisense RNA 1; plus strand). Cytogenetic location: 2q31.2.
Variant type: Deletion.
Coding change: c.62799_62811del on transcript NM_001267550.2 (MANE Select); coding-DNA positions 62799 to 62811, 13 bases deleted (ATATATTTTCAGA).
Protein change: p.Tyr20934fs; shifts the reading frame from tyrosine 20934.
Molecular consequence: frameshift variant.
Genome position (GRCh38, 1-based): chr2:178,588,914-178,588,926, TCTGAAAATATAT deleted on the plus strand (ATATATTTTCAGA on the coding strand, the reverse complement: TTN is on the minus strand); deleting any 13 consecutive bases within chr2:178,588,914-178,588,928 gives the same sequence; the c. name uses the placement nearest the transcript's 3' end. VCF-style (leftmost placement, unchanged base first): chr2-178588913-CTCTGAAAATATAT-C. GRCh37 (hg19) VCF-style: chr2-179453640-CTCTGAAAATATAT-C.
Other names: c.57876_57888del, p.Tyr19293fs (NM_001256850.1); c.35604_35616del, p.Tyr11869fs (NM_003319.4); c.55095_55107del, p.Tyr18366fs (NM_133378.4); c.35979_35991del, p.Tyr11994fs (NM_133432.3); c.36180_36192del, p.Tyr12061fs (NM_133437.4); short protein forms Y11869fs, Y11994fs, Y12061fs, Y18366fs, Y19293fs, Y20934fs.
Identifiers: ClinVar variation 3754604 (VCV003754604.2).